The following is an entry in ClinVar:

NM_170699.3(GPBAR1):c.882C>T (p.Ala294=)

Gene: GPBAR1 (G protein-coupled bile acid receptor 1; plus strand). Cytogenetic location: 2q35.
Variant type: single nucleotide variant.
Coding change: c.882C>T on transcript NM_170699.3 (MANE Select); coding-DNA position 882, C replaced by T.
Protein change: p.Ala294=; no amino-acid change (alanine 294 retained).
Molecular consequence: synonymous variant.
Genome position (GRCh38, 1-based): chr2:218,263,606, C>T. VCF-style: chr2-218263606-C-T. GRCh37 (hg19) VCF-style: chr2-219128329-C-T.
Other names: c.882C>T (NM_001321950.1); c.882C>T, p.Ala294= (NM_001077191.2, NM_001077194.2, NM_001321950.2).
Identifiers: ClinVar variation 596948 (VCV000596948.6), dbSNP rs199517286, ClinGen allele CA2102718.

ClinVar aggregate classification (germline): Conflicting classifications of pathogenicity. Review status: criteria provided, conflicting classifications (1 of 4 stars). 2 submissions from 2 submitters: Uncertain significance (1); Likely benign (1). Last evaluated 2025-09-30.

Conditions:
GPBAR1-related disorder. Also called: GPBAR1-related condition.

Allele frequency attached by ClinVar (database versions not stated): gnomAD exomes 0.00002; gnomAD 0.00003; TOPMed 0.00003; ExAC 0.00002.

Submissions (2):

PreventionGenetics, part of Exact Sciences
Classification: Likely benign for GPBAR1-related condition. Last evaluated: 2025-09-30. Review status: criteria provided, single submitter. Criteria: ACMG Guidelines, 2015. Collection method: clinical testing. Allele origin: germline.
Comment: This variant is classified as likely benign based on ACMG/AMP sequence variant interpretation guidelines (Richards et al. 2015 PMID: 25741868, with internal and published modifications).

Eurofins Ntd Llc (ga)
Classification: Uncertain significance. Last evaluated: 2018-04-20. Review status: criteria provided, single submitter. Criteria: EGL ClinVar v180209 classification definitions. Collection method: clinical testing. Allele origin: germline. Observed: 1 variant allele, 1 heterozygote.